The following is an entry in ClinVar:

NM_000548.5(TSC2):c.5004T>A (p.Phe1668Leu)

Gene: TSC2 (TSC complex subunit 2; plus strand). Cytogenetic location: 16p13.3.
Variant type: single nucleotide variant.
Coding change: c.5004T>A on transcript NM_000548.5 (MANE Select); coding-DNA position 5004, T replaced by A.
Protein change: p.Phe1668Leu; replaces phenylalanine 1668 with leucine.
Molecular consequence: missense variant.
Genome position (GRCh38, 1-based): chr16:2,087,877, T>A. VCF-style: chr16-2087877-T-A. GRCh37 (hg19) VCF-style: chr16-2137878-T-A.
Other names: c.4794T>A, p.Phe1598Leu (NM_001406671.1); c.4791T>A, p.Phe1597Leu (NM_001406673.1); c.4788T>A, p.Phe1596Leu (NM_001406675.1); c.4785T>A, p.Phe1595Leu (NM_001406676.1); c.4746T>A, p.Phe1582Leu (NM_001406677.1); c.4692T>A, p.Phe1564Leu (NM_001406678.1); c.4656T>A, p.Phe1552Leu (NM_001406679.1); c.4404T>A, p.Phe1468Leu (NM_001406680.1); and 26 more; short protein forms F1153L, F1176L, F1197L, F1595L, F1625L, F1667L, F1468L, F1552L.
Identifiers: ClinVar variation 2009616 (VCV002009616.5), dbSNP rs745787082, ClinGen allele CA394311057.

ClinVar aggregate classification (germline): Uncertain significance. Review status: criteria provided, multiple submitters, no conflicts (2 of 4 stars). 2 submissions from 2 submitters: Uncertain significance (2). Last evaluated 2025-12-09.

Conditions:
Hereditary cancer-predisposing syndrome. Also called: Neoplastic Syndromes, Hereditary; Hereditary neoplastic syndrome; Tumor predisposition; Hereditary Cancer Syndrome. Identifiers: Orphanet 140162, MedGen C0027672, MeSH D009386, MONDO:0015356.
Tuberous sclerosis 2 (TSC2). Identifiers: Orphanet 805, MedGen C1860707, MONDO:0013199, OMIM 613254.

gnomAD v4.1: 1 of 1,612,638 alleles (0.000062%); highest among the groups gnomAD compares: Non-Finnish European, 0.000085%; no homozygotes.

Submissions (2):

Ambry Genetics
Classification: Uncertain significance for Hereditary cancer-predisposing syndrome. Last evaluated: 2025-12-09. Review status: criteria provided, single submitter. Criteria: Ambry Variant Classification Scheme 2023. Collection method: clinical testing. Allele origin: germline.
Comment: The p.F1668L variant (also known as c.5004T>A), located in coding exon 38 of the TSC2 gene, results from a T to A substitution at nucleotide position 5004. The phenylalanine at codon 1668 is replaced by leucine, an amino acid with highly similar properties. This variant was reported in a child with a history of cortical dysplasia and epilepsy (Hansmann P et al. Structure. 2020 Aug;28(8):933-942.e4). In functional studies, this variant was reported to result in ablation of TSC2 GAP activity, but did not significantly disrupt mTORC1 complex activity, therefore at least some normal activity is retained and the physiological relevance of these findings is unclear (Hansmann P et al. Structure. 2020 Aug;28(8):933-942.e4). This amino acid position is highly conserved in available vertebrate species. In addition, this alteration is predicted to be deleterious by in silico analysis. Based on the available evidence, the clinical significance of this variant remains unclear.

Labcorp Genetics (formerly Invitae), Labcorp
Classification: Uncertain significance for Tuberous sclerosis 2. Last evaluated: 2025-07-31. Review status: criteria provided, single submitter. Criteria: Invitae Variant Classification Sherloc (09022015). Collection method: clinical testing. Allele origin: germline.
Comment: This sequence change replaces phenylalanine, which is neutral and non-polar, with leucine, which is neutral and non-polar, at codon 1668 of the TSC2 protein (p.Phe1668Leu). This variant is not present in population databases (gnomAD no frequency). This variant has not been reported in the literature in individuals affected with TSC2-related conditions. ClinVar contains an entry for this variant (Variation ID: 2009616). Invitae Evidence Modeling of protein sequence and biophysical properties (such as structural, functional, and spatial information, amino acid conservation, physicochemical variation, residue mobility, and thermodynamic stability) indicates that this missense variant is not expected to disrupt TSC2 protein function with a negative predictive value of 95%. In summary, the available evidence is currently insufficient to determine the role of this variant in disease. Therefore, it has been classified as a Variant of Uncertain Significance.

Literature cited by the submitters: PubMed 32502382 (cited by Ambry Genetics).